The following is an entry in ClinVar:

ClinVar aggregate classification (germline): Uncertain significance (1 of 4 stars; one submission).

Conditions:
Spastic paraplegia. Identifiers: MedGen C0037772, HP:0001258.

Allele frequency attached by ClinVar (database versions not stated): ESP Exome Variant Server 0.00008.
gnomAD v4.1: 9 of 1,293,256 alleles (0.0007%); highest among the groups gnomAD compares: African/African-American, 0.015%; no homozygotes.

Submission:

Labcorp Genetics (formerly Invitae), Labcorp
Classification: Uncertain significance for Spastic paraplegia. Last evaluated: 2022-07-15. Review status: criteria provided, single submitter. Criteria: Invitae Variant Classification Sherloc (09022015). Collection method: clinical testing. Allele origin: germline.
Comment: This sequence change replaces arginine, which is basic and polar, with glycine, which is neutral and non-polar, at codon 1009 of the ZFYVE26 protein (p.Arg1009Gly). This variant is present in population databases (rs374605354, gnomAD 0.03%). This variant has not been reported in the literature in individuals affected with ZFYVE26-related conditions. Algorithms developed to predict the effect of missense changes on protein structure and function are either unavailable or do not agree on the potential impact of this missense change (SIFT: "Deleterious"; PolyPhen-2: "Benign"; Align-GVGD: "Class C0"). In summary, the available evidence is currently insufficient to determine the role of this variant in disease. Therefore, it has been classified as a Variant of Uncertain Significance.

NM_015346.4(ZFYVE26):c.3025C>G (p.Arg1009Gly)

Gene: ZFYVE26 (zinc finger FYVE-type containing 26; minus strand). Cytogenetic location: 14q24.1.
Variant type: single nucleotide variant.
Coding change: c.3025C>G on transcript NM_015346.4 (MANE Select); coding-DNA position 3025, C replaced by G.
Protein change: p.Arg1009Gly; replaces arginine 1009 with glycine.
Molecular consequence: missense variant.
Genome position (GRCh38, 1-based): chr14:67,786,228, G>C on the plus strand (C>G on the coding strand, the complement: ZFYVE26 is on the minus strand). VCF-style: chr14-67786228-G-C. GRCh37 (hg19) VCF-style: chr14-68252945-G-C.
Other names: short protein forms R1009G.
Identifiers: ClinVar variation 2164486 (VCV002164486.1), dbSNP rs374605354, ClinGen allele CA7240090.
Genomic context (GRCh38, chr14:67,786,228, plus strand): 5'-GCTGAAGAACAACTGGAAAACCTCGAATGCCATCAGCATTTAGGAGTACGTGGTCTATCC[G>C]TCGACCTGGAAATAGATGAAGGAAGAGGGAATGCAAAAAAAAAAAATTGAAGTGTTTTCA-3'
Protein context (NP_056161.2, residues 999-1019): LNSSLERRGR[Arg1009Gly]IDHVLLNADG